The following is an entry in ClinVar:

ClinVar aggregate classification (germline): Likely pathogenic (1 of 4 stars; one submission).

Submission:

GeneDx
Classification: Likely pathogenic. Last evaluated: 2015-09-17. Review status: criteria provided, single submitter. Criteria: GeneDx Variant Classification (06012015). Collection method: clinical testing. Allele origin: germline. Affected: yes.
Comment: The A468S variant has not been published as a pathogenic variant, nor has it been reported as a benign polymorphism. The A468S variant was not observed in approximately 6,500 individuals of European and African American ancestry in the NHLBI Exome Sequencing Project, indicating it is not a common benign variant in these populations. It is a non-conservative amino acid substitution, which is likely to impact secondary protein structure as these residues differ in polarity, charge, size and/or other properties. This substitution occurs at a position that is conserved across species and in-silico analysis predicts this variant is probably damaging to the protein structure/function. In addition, missense variants in nearby residues (L463P, E466D, I467L/T/M, T469P, Y470H, R471C/H, E475K/G/D, E477K/D, E478K) have been reported in the Human Gene Mutation Database in association with epidermolysis bullosa (Stenson et al., 2014), supporting the functional importance of this region of the protein. Therefore, this variant is a strong candidate for a pathogenic variant, however the possibility that it is a benign variant cannot be excluded.

NM_000424.4(KRT5):c.1402G>T (p.Ala468Ser)

Genes: KRT5 (keratin 5; minus strand), LOC126861525 (BRD4-independent group 4 enhancer GRCh37_chr12:52909857-52911056; plus strand). Cytogenetic location: 12q13.13.
Variant type: single nucleotide variant.
Coding change: c.1402G>T on transcript NM_000424.4 (MANE Select); coding-DNA position 1402, G replaced by T.
Protein change: p.Ala468Ser; replaces alanine 468 with serine.
Molecular consequence: missense variant.
Genome position (GRCh38, 1-based): chr12:52,516,674, C>A on the plus strand (G>T on the coding strand, the complement: KRT5 is on the minus strand). VCF-style: chr12-52516674-C-A. GRCh37 (hg19) VCF-style: chr12-52910458-C-A.
Other names: short protein forms A468S.
Identifiers: ClinVar variation 429584 (VCV000429584.2), dbSNP rs1131691471, ClinGen allele CA384923547.